The following is an entry in ClinVar:

NM_004260.4(RECQL4):c.2756-34_2756-8del

Gene: RECQL4 (RecQ like helicase 4; minus strand). Cytogenetic location: 8q24.3.
Variant type: Deletion.
Coding change: c.2756-34_2756-8del on transcript NM_004260.4 (MANE Select); 34 bases into the intron before coding-DNA position 2756 through 8 bases into the intron before coding-DNA position 2756, 27 bases deleted (TCCCCGCGTCCGCTGAGCCCTGCTCTG).
Molecular consequence: intron variant. On other transcripts: inframe deletion (3).
Genome position (GRCh38, 1-based): chr8:144,512,779-144,512,805, CAGAGCAGGGCTCAGCGGACGCGGGGA deleted on the plus strand (TCCCCGCGTCCGCTGAGCCCTGCTCTG on the coding strand, the reverse complement: RECQL4 is on the minus strand); deleting any 27 consecutive bases within chr8:144,512,779-144,512,808 gives the same sequence; the c. name uses the placement nearest the transcript's 3' end. VCF-style (leftmost placement, unchanged base first): chr8-144512778-GCAGAGCAGGGCTCAGCGGACGCGGGGA-G. GRCh37 (hg19) VCF-style: chr8-145738161-GCAGAGCAGGGCTCAGCGGACGCGGGGA-G.
Other names: c.2797_2823del, p.Ser933_Leu941del (NM_001413019.1); c.1726_1752del, p.Ser576_Leu584del (NM_001413023.1); c.1660_1686del, p.Ser554_Leu562del (NM_001413041.1); c.2627-34_2627-8del (NM_001413025.1); c.2405-34_2405-8del (NM_001413029.1); c.1619-34_1619-8del (NM_001413032.1, NM_001413027.1, NM_001413030.1); c.1685-34_1685-8del (NM_001413035.1, NM_001413040.1, NM_001413021.1 and 4 more transcripts); c.2462-34_2462-8del (NM_001413017.1); and 9 more.
Identifiers: ClinVar variation 2980434 (VCV002980434.3), dbSNP rs2537994411, ClinGen allele CA2689132035.

ClinVar aggregate classification (germline): Uncertain significance (1 of 4 stars; one submission).

Conditions:
Baller-Gerold syndrome (BGS). Also called: CRANIOSYNOSTOSIS WITH RADIAL DEFECTS. Identifiers: Orphanet 1225, MedGen C0265308, MONDO:0009039, OMIM 218600.

Submission:

Labcorp Genetics (formerly Invitae), Labcorp
Classification: Uncertain significance for Baller-Gerold syndrome. Last evaluated: 2023-07-16. Review status: criteria provided, single submitter. Criteria: Invitae Variant Classification Sherloc (09022015). Collection method: clinical testing. Allele origin: germline.
Comment: This sequence change falls in intron 15 of the RECQL4 gene. It does not directly change the encoded amino acid sequence of the RECQL4 protein. This variant is not present in population databases (gnomAD no frequency). This variant has not been reported in the literature in individuals affected with RECQL4-related conditions. Algorithms developed to predict the effect of sequence changes on RNA splicing suggest that this variant may disrupt the consensus splice site. In summary, the available evidence is currently insufficient to determine the role of this variant in disease. Therefore, it has been classified as a Variant of Uncertain Significance.